The following is an entry in ClinVar:

ClinVar aggregate classification (germline): Likely benign. Review status: criteria provided, multiple submitters, no conflicts (2 of 4 stars). 2 submissions from 2 submitters: Likely benign (2). Last evaluated 2024-01-13.

Allele frequency attached by ClinVar (database versions not stated): ExAC 0.00001.
gnomAD v4.1: 1 of 1,613,586 alleles (0.000062%); no homozygotes.

Submissions (2):

Labcorp Genetics (formerly Invitae), Labcorp
Classification: Likely benign. Last evaluated: 2024-01-13. Review status: criteria provided, single submitter. Criteria: Invitae Variant Classification Sherloc (09022015). Collection method: clinical testing. Allele origin: germline.

CeGaT Center for Human Genetics Tuebingen
Classification: Likely benign. Last evaluated: 2022-04-01. Review status: criteria provided, single submitter. Criteria: CeGaT Center For Human Genetics Tuebingen Variant Classification Criteria Version 2. Collection method: clinical testing. Allele origin: germline. Affected: yes. Observed: 1 variant allele.
Comment: LRP2: BP4, BP7

NM_004525.3(LRP2):c.5595G>A (p.Gly1865=)

Gene: LRP2 (LDL receptor related protein 2; minus strand). Cytogenetic location: 2q31.1.
Variant type: single nucleotide variant.
Coding change: c.5595G>A on transcript NM_004525.3 (MANE Select); coding-DNA position 5595, G replaced by A.
Protein change: p.Gly1865=; no amino-acid change (glycine 1865 retained).
Molecular consequence: synonymous variant.
Genome position (GRCh38, 1-based): chr2:169,220,507, C>T on the plus strand (G>A on the coding strand, the complement: LRP2 is on the minus strand). VCF-style: chr2-169220507-C-T. GRCh37 (hg19) VCF-style: chr2-170077017-C-T.
Identifiers: ClinVar variation 2651525 (VCV002651525.27), dbSNP rs756054320, ClinGen allele CA1954493.